The following is an entry in ClinVar:

NM_000030.3(AGXT):c.841G>T (p.Glu281Ter)

Gene: AGXT (alanine--glyoxylate aminotransferase; plus strand). Cytogenetic location: 2q37.3.
Variant type: single nucleotide variant.
Coding change: c.841G>T on transcript NM_000030.3 (MANE Select); coding-DNA position 841, G replaced by T.
Protein change: p.Glu281Ter; replaces glutamic acid 281 with a stop codon.
Molecular consequence: nonsense.
Genome position (GRCh38, 1-based): chr2:240,875,999, G>T. VCF-style: chr2-240875999-G-T. GRCh37 (hg19) VCF-style: chr2-241815416-G-T.
Other names: short protein forms E281*.
Identifiers: ClinVar variation 641162 (VCV000641162.6), dbSNP rs1575711244, ClinGen allele CA351318416.

ClinVar aggregate classification (germline): Pathogenic (1 of 4 stars; one submission).

Submission:

Labcorp Genetics (formerly Invitae), Labcorp
Classification: Pathogenic. Last evaluated: 2018-08-19. Review status: criteria provided, single submitter. Criteria: Invitae Variant Classification Sherloc (09022015). Collection method: clinical testing. Allele origin: germline.
Comment: For these reasons, this variant has been classified as Pathogenic. Loss-of-function variants in AGXT are known to be pathogenic (PMID: 19479957). This variant has not been reported in the literature in individuals with AGXT-related disease. This variant is not present in population databases (ExAC no frequency). This sequence change creates a premature translational stop signal (p.Glu281*) in the AGXT gene. It is expected to result in an absent or disrupted protein product.

Literature cited by the submitters: PubMed 19479957.